The following is an entry in ClinVar:

ClinVar aggregate classification (germline): Uncertain significance (1 of 4 stars; one submission).

Conditions:
Cardiovascular phenotype. Identifiers: MedGen CN230736.

Submission:

Ambry Genetics
Classification: Uncertain significance for Cardiovascular phenotype. Last evaluated: 2025-03-04. Review status: criteria provided, single submitter. Criteria: Ambry Variant Classification Scheme 2023. Collection method: clinical testing. Allele origin: germline.
Comment: The p.L2694F variant (also known as c.8080C>T), located in coding exon 32 of the AKAP9 gene, results from a C to T substitution at nucleotide position 8080. The leucine at codon 2694 is replaced by phenylalanine, an amino acid with highly similar properties. This amino acid position is conserved. In addition, this alteration is predicted to be tolerated by in silico analysis. Based on the available evidence, the clinical significance of this variant remains unclear.

NM_005751.5(AKAP9):c.8080C>T (p.Leu2694Phe)

Gene: AKAP9 (A-kinase anchoring protein 9; plus strand). Cytogenetic location: 7q21.2.
Variant type: single nucleotide variant.
Coding change: c.8080C>T on transcript NM_005751.5 (MANE Select); coding-DNA position 8080, C replaced by T.
Protein change: p.Leu2694Phe; replaces leucine 2694 with phenylalanine.
Molecular consequence: missense variant.
Genome position (GRCh38, 1-based): chr7:92,082,582, C>T. VCF-style: chr7-92082582-C-T. GRCh37 (hg19) VCF-style: chr7-91711896-C-T.
Other names: c.2725C>T, p.Leu909Phe (NM_001379277.1); c.8056C>T, p.Leu2686Phe (NM_147185.3); short protein forms L2694F, L909F, L2686F.
Identifiers: ClinVar variation 3849830 (VCV003849830.1).
Genomic context (GRCh38, chr7:92,082,582, plus strand): 5'-ACAACTACTGAGCTATTTCATAGCAATGAAGAAAGTGGATTTTTTAATGAACTCGAGGCT[C>T]TTAGAGCTGAATCAGTGGCTACCAAAGCAGAACTTGCCAGTTATAAAGAAAAGGCTGAAA-3'
Protein context (NP_005742.4, residues 2684-2704): ESGFFNELEA[Leu2694Phe]RAESVATKAE